The following is an entry in ClinVar:

ClinVar aggregate classification (germline): Pathogenic (1 of 4 stars; one submission).

Conditions:
Joubert syndrome. Also called: CEREBELLOPARENCHYMAL DISORDER IV; JOUBERT-BOLTSHAUSER SYNDROME; Familial aplasia of the vermis. Identifiers: Orphanet 475, MedGen C5979921, MONDO:0018772.
Meckel-Gruber syndrome. Also called: DYSENCEPHALIA SPLANCHNOCYSTICA; GRUBER SYNDROME; Dysencephalia splachnocystica. Identifiers: Orphanet 564, MedGen C0265215, MONDO:0018921.
Nephronophthisis. Also called: Juvenile Nephronophthisis. Identifiers: Orphanet 655, MedGen C0687120, MONDO:0019005, HP:0000090.

Submission:

Labcorp Genetics (formerly Invitae), Labcorp
Classification: Pathogenic for Joubert syndrome; Meckel-Gruber syndrome; Nephronophthisis. Last evaluated: 2022-05-29. Review status: criteria provided, single submitter. Criteria: Invitae Variant Classification Sherloc (09022015). Collection method: clinical testing. Allele origin: germline.
Comment: This sequence change creates a premature translational stop signal (p.Asp188Hisfs*37) in the CEP290 gene. It is expected to result in an absent or disrupted protein product. Loss-of-function variants in CEP290 are known to be pathogenic (PMID: 16909394, 17345604, 20690115). This variant is present in population databases (rs751223288, gnomAD 0.0009%). This variant has not been reported in the literature in individuals affected with CEP290-related conditions. For these reasons, this variant has been classified as Pathogenic.

Literature cited by the submitters: PubMed 16909394; PubMed 17345604; PubMed 20690115.

NM_025114.4(CEP290):c.558_561del (p.Asp188fs)

Gene: CEP290 (centrosomal protein 290; minus strand). Cytogenetic location: 12q21.32.
Variant type: Deletion.
Coding change: c.558_561del on transcript NM_025114.4 (MANE Select); coding-DNA positions 558 to 561, 4 bases deleted (AATA; older notation c.558_561delAATA).
Protein change: p.Asp188fs; shifts the reading frame from aspartic acid 188.
Molecular consequence: frameshift variant.
Genome position (GRCh38, 1-based): chr12:88,130,376-88,130,379, TATT deleted on the plus strand (AATA on the coding strand, the reverse complement: CEP290 is on the minus strand); deleting any 4 consecutive bases within chr12:88,130,376-88,130,380 gives the same sequence; the c. name uses the placement nearest the transcript's 3' end. VCF-style (leftmost placement, unchanged base first): chr12-88130375-CTATT-C. GRCh37 (hg19) VCF-style: chr12-88524152-CTATT-C.
Other names: short protein forms D188fs.
Identifiers: ClinVar variation 1996834 (VCV001996834.4), dbSNP rs751223288, ClinGen allele CA6712738.